The following is an entry in ClinVar:

ClinVar aggregate classification (germline): Uncertain significance (1 of 4 stars; one submission).

Submission:

Greenwood Genetic Center Diagnostic Laboratories, Greenwood Genetic Center
Classification: Uncertain significance. Last evaluated: 2025-12-15. Review status: criteria provided, single submitter. Criteria: ACMG Guidelines, 2015. Collection method: clinical testing. Allele origin: germline. Affected: yes.
Comment: Gene of Uncertain Significance

NM_001198950.3(MYO16):c.4676C>G (p.Pro1559Arg)

Gene: MYO16 (myosin XVI; plus strand). Cytogenetic location: 13q33.3.
Variant type: single nucleotide variant.
Coding change: c.4676C>G on transcript NM_001198950.3 (MANE Select); coding-DNA position 4676, C replaced by G.
Protein change: p.Pro1559Arg; replaces proline 1559 with arginine.
Molecular consequence: missense variant.
Genome position (GRCh38, 1-based): chr13:109,140,888, C>G. VCF-style: chr13-109140888-C-G. GRCh37 (hg19) VCF-style: chr13-109793236-C-G.
Other names: c.4610C>G, p.Pro1537Arg (NM_015011.3); short protein forms P1537R, P1559R.
Identifiers: ClinVar variation 4845533 (VCV004845533.1).